The following is an entry in ClinVar:

NM_001267550.2(TTN):c.107512A>G (p.Ser35838Gly)

Genes: TTN-AS1 (TTN antisense RNA 1; plus strand), TTN (titin; minus strand). Cytogenetic location: 2q31.2.
Variant type: single nucleotide variant.
Coding change: c.107512A>G on transcript NM_001267550.2 (MANE Select); coding-DNA position 107512, A replaced by G.
Protein change: p.Ser35838Gly; replaces serine 35838 with glycine.
Molecular consequence: missense variant.
Genome position (GRCh38, 1-based): chr2:178,527,614, T>C on the plus strand (A>G on the coding strand, the complement: TTN is on the minus strand). VCF-style: chr2-178527614-T-C. GRCh37 (hg19) VCF-style: chr2-179392341-T-C.
Other names: c.102589A>G, p.Ser34197Gly (NM_001256850.1); c.80317A>G, p.Ser26773Gly (NM_003319.4); c.99808A>G, p.Ser33270Gly (NM_133378.4); c.80692A>G, p.Ser26898Gly (NM_133432.3); c.80893A>G, p.Ser26965Gly (NM_133437.4); short protein forms S26773G, S26898G, S26965G, S35838G, S33270G, S34197G.
Identifiers: ClinVar variation 1358358 (VCV001358358.6), dbSNP rs1575176926, ClinGen allele CA349400222.

ClinVar aggregate classification (germline): Uncertain significance (1 of 4 stars; one submission).

Conditions:
Dilated cardiomyopathy 1G (CMD1G). Identifiers: Orphanet 154, MedGen C1858763, MONDO:0011400, OMIM 604145.
Autosomal recessive limb-girdle muscular dystrophy type 2J (LGMDR10). Also called: Limb-girdle muscular dystrophy, type 2J; MUSCULAR DYSTROPHY, LIMB-GIRDLE, AUTOSOMAL RECESSIVE 10. Identifiers: Orphanet 140922, MedGen C1837342, MONDO:0012127, OMIM 608807.

Submission:

Labcorp Genetics (formerly Invitae), Labcorp
Classification: Uncertain significance for Dilated cardiomyopathy 1G; Autosomal recessive limb-girdle muscular dystrophy type 2J. Last evaluated: 2024-02-24. Review status: criteria provided, single submitter. Criteria: Invitae Variant Classification Sherloc (09022015). Collection method: clinical testing. Allele origin: germline.
Comment: This sequence change replaces serine, which is neutral and polar, with glycine, which is neutral and non-polar, at codon 35838 of the TTN protein (p.Ser35838Gly). This variant is not present in population databases (gnomAD no frequency). This variant has not been reported in the literature in individuals affected with TTN-related conditions. ClinVar contains an entry for this variant (Variation ID: 1358358). Experimental studies and prediction algorithms are not available or were not evaluated, and the functional significance of this variant is currently unknown. This variant is located in the M band of TTN (PMID: 25589632). Non-truncating variants in this region may be relevant for neuromuscular disorders, but have not been definitively shown to cause cardiomyopathy (PMID: 23975875). In summary, the available evidence is currently insufficient to determine the role of this variant in disease. Therefore, it has been classified as a Variant of Uncertain Significance.

Literature cited by the submitters: PubMed 25589632; PubMed 23975875.